The following is an entry in ClinVar:

ClinVar aggregate classification (germline): Benign/Likely benign. Review status: criteria provided, multiple submitters, no conflicts (2 of 4 stars). 3 submissions from 3 submitters: Benign (1); Likely benign (2). Last evaluated 2025-07-25.

Conditions:
EP300-related disorder. Also called: EP300-related condition; EP300-related disorders.
Rubinstein-Taybi syndrome due to EP300 haploinsufficiency. Also called: EP300-Related Rubinstein-Taybi Syndrome; RUBINSTEIN-TAYBI SYNDROME 2. Identifiers: Orphanet 353284, Orphanet 783, MedGen C3150941, MONDO:0013364, OMIM 613684.

Allele frequency attached by ClinVar (database versions not stated): gnomAD 0.00003 and 0.00006; gnomAD exomes 0.00003 and 0.00006; TOPMed 0.00003; ExAC 0.00007.
gnomAD v4.1: 48 of 1,613,608 alleles (0.003%); highest among the groups gnomAD compares: Middle Eastern, 0.049%; no homozygotes.

Submissions (3):

PreventionGenetics, part of Exact Sciences
Classification: Likely benign for EP300-related condition. Last evaluated: 2025-07-25. Review status: criteria provided, single submitter. Criteria: ACMG Guidelines, 2015. Collection method: clinical testing. Allele origin: germline.
Comment: This variant is classified as likely benign based on ACMG/AMP sequence variant interpretation guidelines (Richards et al. 2015 PMID: 25741868, with internal and published modifications).

Labcorp Genetics (formerly Invitae), Labcorp
Classification: Benign for Rubinstein-Taybi syndrome due to EP300 haploinsufficiency. Last evaluated: 2025-07-20. Review status: criteria provided, single submitter. Criteria: Invitae Variant Classification Sherloc (09022015). Collection method: clinical testing. Allele origin: germline.

Blueprint Genetics
Classification: Likely benign. Last evaluated: 2024-08-30. Review status: criteria provided, single submitter. Criteria: ACMG Guidelines, 2015. Collection method: clinical testing. Allele origin: germline.

NM_001429.4(EP300):c.5644A>G (p.Ser1882Gly)

Gene: EP300 (EP300 lysine acetyltransferase; plus strand). Cytogenetic location: 22q13.2.
Variant type: single nucleotide variant.
Coding change: c.5644A>G on transcript NM_001429.4 (MANE Select); coding-DNA position 5644, A replaced by G.
Protein change: p.Ser1882Gly; replaces serine 1882 with glycine.
Molecular consequence: missense variant.
Genome position (GRCh38, 1-based): chr22:41,177,355, A>G. VCF-style: chr22-41177355-A-G. GRCh37 (hg19) VCF-style: chr22-41573359-A-G.
Other names: c.5566A>G, p.Ser1856Gly (NM_001362843.2); short protein forms S1882G, S1856G.
Identifiers: ClinVar variation 2060537 (VCV002060537.6), dbSNP rs769796204, ClinGen allele CA10253677.